The following is an entry in ClinVar:

ClinVar aggregate classification (germline): Likely benign. Review status: criteria provided, multiple submitters, no conflicts (2 of 4 stars). 3 submissions from 3 submitters: Likely benign (2). 1 of the submissions does not count toward it. Last evaluated 2025-08-03.

Allele frequency attached by ClinVar (database versions not stated): gnomAD exomes 0.00034; ExAC 0.00043; 1000 Genomes Project 0.00120; 1000 Genomes Project 30x 0.00156; gnomAD 0.00003 and 0.00015; ESP Exome Variant Server 0.00008; TOPMed 0.00008.
gnomAD v4.1: 347 of 1,614,170 alleles (0.021%); highest among the groups gnomAD compares: South Asian, 0.3%; 3 homozygotes.

Submissions (3):

Labcorp Genetics (formerly Invitae), Labcorp
Classification: Likely benign. Last evaluated: 2025-08-03. Review status: criteria provided, single submitter. Criteria: Invitae Variant Classification Sherloc (09022015). Collection method: clinical testing. Allele origin: germline.

Breakthrough Genomics
Classification: Likely benign. Review status: criteria provided, single submitter. Criteria: ACMG Guidelines, 2015. Collection method: not provided. Allele origin: germline. Inheritance: Autosomal dominant inheritance. Affected: yes.

Department of Pathology and Laboratory Medicine, Sinai Health System
Classification: Likely benign. Review status: no assertion criteria provided. Collection method: clinical testing. Allele origin: unknown. Affected: yes. Study: The Canadian Open Genetics Repository (COGR). Not counted in ClinVar's aggregate classification.
Comment: The RNF213 p.Ile2240Thr variant was not identified in the literature nor was it identified in LOVD 3.0. The variant was identified in dbSNP (ID: rs375652015) and ClinVar (classified as likely benign by Invitae). The variant was identified in control databases in 86 of 251486 chromosomes (1 homozygous) at a frequency of 0.000342 (Genome Aggregation Database March 6, 2019, v2.1.1). The variant was observed in the following populations: South Asian in 77 of 30616 chromosomes (freq: 0.002515), Other in 2 of 6140 chromosomes (freq: 0.000326), East Asian in 1 of 18394 chromosomes (freq: 0.000054), European (Finnish) in 1 of 21648 chromosomes (freq: 0.000046), European (non-Finnish) in 4 of 113760 chromosomes (freq: 0.000035) and Latino in 1 of 34592 chromosomes (freq: 0.000029), but was not observed in the African, or Ashkenazi Jewish populations. The p.Ile2240Thr residue is not conserved in mammals and computational analyses (SIFT, AlignGVGD, BLOSUM, MutationTaster) do not suggest a high likelihood of impact to the protein; however, this information is not predictive enough to rule out pathogenicity. The variant occurs outside of the splicing consensus sequence and in silico or computational prediction software programs (SpliceSiteFinder, MaxEntScan, NNSPLICE, GeneSplicer) do not predict a difference in splicing. In summary, based on the above information the clinical significance of this variant cannot be determined with certainty at this time although we would lean towards a more benign role for this variant. This variant is classified as likely benign.

NM_001256071.3(RNF213):c.6719T>C (p.Ile2240Thr)

Gene: RNF213 (ring finger protein 213; plus strand). Cytogenetic location: 17q25.3.
Variant type: single nucleotide variant.
Coding change: c.6719T>C on transcript NM_001256071.3 (MANE Select); coding-DNA position 6719, T replaced by C.
Protein change: p.Ile2240Thr; replaces isoleucine 2240 with threonine.
Molecular consequence: missense variant.
Genome position (GRCh38, 1-based): chr17:80,345,054, T>C. VCF-style: chr17-80345054-T-C. GRCh37 (hg19) VCF-style: chr17-78318854-T-C.
Other names: short protein forms I2240T.
Identifiers: ClinVar variation 736540 (VCV000736540.9), dbSNP rs375652015, ClinGen allele CA8820597.